The following is an entry in ClinVar:

NM_001753.5(CAV1):c.54C>G (p.Ile18Met)

Gene: CAV1 (caveolin 1; plus strand). Cytogenetic location: 7q31.2.
Variant type: single nucleotide variant.
Coding change: c.54C>G on transcript NM_001753.5 (MANE Select); coding-DNA position 54, C replaced by G.
Protein change: p.Ile18Met; replaces isoleucine 18 with methionine.
Molecular consequence: missense variant. On other transcripts: 5 prime UTR variant (3).
Genome position (GRCh38, 1-based): chr7:116,526,548, C>G. VCF-style: chr7-116526548-C-G. GRCh37 (hg19) VCF-style: chr7-116166602-C-G.
Other names: c.-40C>G (NM_001172895.1, NM_001172896.2, NM_001172897.2); short protein forms I18M.
Identifiers: ClinVar variation 618550 (VCV000618550.12), dbSNP rs150051547, ClinGen allele CA4447819.
Genomic context (GRCh38, chr7:116,526,548, plus strand): 5'-CTCCCCGTCCTGGCCGTCCGCCCTCCGCCCTCTGCAGGGACATCTCTACACCGTTCCCAT[C>G]CGGGAACAGGGCAACATCTACAAGCCCAACAACAAGGCCATGGCAGACGAGCTGAGCGAG-3'
Protein context (NP_001744.2, residues 8-28): DSEGHLYTVP[Ile18Met]REQGNIYKPN

ClinVar aggregate classification (germline): Conflicting classifications of pathogenicity. Review status: criteria provided, conflicting classifications (1 of 4 stars). 3 submissions from 3 submitters: Uncertain significance (2); Likely benign (1). Last evaluated 2023-06-20.

Conditions:
Inborn genetic diseases. Identifiers: MedGen C0950123, MeSH D030342.
Amyotrophic lateral sclerosis (ALS). Also called: Charcot disease; Lou Gehrig disease. Identifiers: Orphanet 803, MedGen C0002736, MONDO:0004976, HP:0007354.

Allele frequency attached by ClinVar (database versions not stated): ExAC 0.00006; gnomAD exomes 0.00013 and 0.00025; TOPMed 0.00014; ESP Exome Variant Server 0.00015; 1000 Genomes Project 30x 0.00016; gnomAD 0.00019 and 0.00020; 1000 Genomes Project 0.00020.
gnomAD v4.1: 397 of 1,614,166 alleles (0.025%); highest among the groups gnomAD compares: Non-Finnish European, 0.031%; no homozygotes.

Submissions (3):

Department of Pathology and Laboratory Medicine, Sinai Health System
Classification: Uncertain significance for amyotrophic lateral sclerosis. Last evaluated: 2023-06-20. Review status: criteria provided, single submitter. Criteria: ACMG Guidelines, 2015. Collection method: research. Allele origin: germline.

Ambry Genetics
Classification: Likely benign for Inborn genetic diseases. Last evaluated: 2022-03-07. Review status: criteria provided, single submitter. Criteria: Ambry Variant Classification Scheme 2023. Collection method: clinical testing. Allele origin: germline.

ARUP Laboratories, Molecular Genetics and Genomics, ARUP Laboratories
Classification: Uncertain significance. Last evaluated: 2017-08-14. Review status: criteria provided, single submitter. Criteria: ARUP Molecular Germline Variant Investigation Process. Collection method: clinical testing. Allele origin: germline.
Comment: The p.Ile18Met variant (rs150051547) has not been reported in the medical literature, gene specific variation databases, nor has it been previously identified by our laboratory. This variant is listed in the genome Aggregation Database (gnomAD) with an overall population frequency of 0.001 percent (identified on 34 out of 277,086 chromosomes). The isoleucine at position 18 is highly conserved (Alamut v2.9.0) and computational analyses of the effects of the p.Ile18Met variant on protein structure and function provide conflicting results (SIFT: damaging, MutationTaster: disease causing, PolyPhen-2: benign). Altogether, there is not enough evidence to classify the p.Ile18Met variant with certainty.